The following is an entry in ClinVar:

ClinVar aggregate classification (germline): Conflicting classifications of pathogenicity. Review status: criteria provided, conflicting classifications (1 of 4 stars). 8 submissions from 8 submitters: Uncertain significance (1); Benign (2); Likely benign (4). 1 of the submissions does not count toward it. Last evaluated 2026-03-01.

Conditions:
KCNT1-related disorder. Also called: KCNT1-related condition.
Inborn genetic diseases. Identifiers: MedGen C0950123, MeSH D030342.
Developmental and epileptic encephalopathy, 14 (DEE14). Also called: Early infantile epileptic encephalopathy 14. Identifiers: Orphanet 293181, MedGen C3554195, MONDO:0013989, OMIM 614959.
Autosomal dominant nocturnal frontal lobe epilepsy 5. Also called: CILIARY DYSKINESIA, PRIMARY, 28, WITHOUT SITUS INVERSUS; Epilepsy, nocturnal frontal lobe, 5; KCNT1-Related Epilepsy; CILIARY DYSKINESIA, PRIMARY, 28, WITH SITUS INVERSUS. Identifiers: Orphanet 98784, MedGen C3554306, MONDO:0014002, OMIM 615005.

Allele frequency attached by ClinVar (database versions not stated): gnomAD 0.00034 and 0.00036; ESP Exome Variant Server 0.00038; gnomAD exomes 0.00054 and 0.00055; TOPMed 0.00056; ExAC 0.00065.
gnomAD v4.1: 856 of 1,611,944 alleles (0.053%); highest among the groups gnomAD compares: Admixed American, 0.12%; 1 homozygote.

Submissions (8):

CeGaT Center for Human Genetics Tuebingen
Classification: Likely benign. Last evaluated: 2026-03-01. Review status: criteria provided, single submitter. Criteria: CeGaT Center For Human Genetics Tuebingen Variant Classification Criteria Version 2. Collection method: clinical testing. Allele origin: germline. Affected: yes. Observed: 2 variant alleles.
Comment: KCNT1: BP4, BP7

Labcorp Genetics (formerly Invitae), Labcorp
Classification: Benign for Autosomal dominant nocturnal frontal lobe epilepsy 5; Developmental and epileptic encephalopathy, 14. Last evaluated: 2026-01-28. Review status: criteria provided, single submitter. Criteria: Invitae Variant Classification Sherloc (09022015). Collection method: clinical testing. Allele origin: germline.

Blueprint Genetics
Classification: Likely benign. Last evaluated: 2024-11-26. Review status: criteria provided, single submitter. Criteria: ACMG Guidelines, 2015. Collection method: clinical testing. Allele origin: germline.

Athena Diagnostics
Classification: Benign. Last evaluated: 2024-10-02. Review status: criteria provided, single submitter. Criteria: Athena Diagnostics Criteria. Collection method: clinical testing. Allele origin: unknown.

GeneDx
Classification: Likely benign. Last evaluated: 2021-05-20. Review status: criteria provided, single submitter. Criteria: GeneDx Variant Classification Process June 2021. Collection method: clinical testing. Allele origin: germline. Affected: yes.

Ambry Genetics
Classification: Likely benign for Inborn genetic diseases. Last evaluated: 2016-08-15. Review status: criteria provided, single submitter. Criteria: Ambry Variant Classification Scheme 2023. Collection method: clinical testing. Allele origin: germline.

Eurofins Ntd Llc (ga)
Classification: Uncertain significance. Last evaluated: 2014-10-09. Review status: criteria provided, single submitter. Criteria: EGL Classification Definitions 2015. Collection method: clinical testing. Allele origin: germline. Observed: 1 variant allele, 1 heterozygote.

PreventionGenetics, part of Exact Sciences
Classification: Likely benign for KCNT1-related condition. Last evaluated: 2019-10-11. Review status: no assertion criteria provided. Collection method: clinical testing. Allele origin: germline. Not counted in ClinVar's aggregate classification.
Comment: This variant is classified as likely benign based on ACMG/AMP sequence variant interpretation guidelines (Richards et al. 2015 PMID: 25741868, with internal and published modifications).

NM_020822.3(KCNT1):c.885G>A (p.Ala295=)

Gene: KCNT1 (potassium sodium-activated channel subfamily T member 1; plus strand). Cytogenetic location: 9q34.3.
Variant type: single nucleotide variant.
Coding change: c.885G>A on transcript NM_020822.3 (MANE Select); coding-DNA position 885, G replaced by A.
Protein change: p.Ala295=; no amino-acid change (alanine 295 retained).
Molecular consequence: synonymous variant.
Genome position (GRCh38, 1-based): chr9:135,759,709, G>A. VCF-style: chr9-135759709-G-A. GRCh37 (hg19) VCF-style: chr9-138651555-G-A.
Other names: c.750G>A, p.Ala250= (NM_001272003.2).
Identifiers: ClinVar variation 193923 (VCV000193923.51), dbSNP rs142756900, ClinGen allele CA239657.